The following continues an entry in ClinVar:

NM_000321.3(RB1):c.1215+1G>A

Gene: RB1. ClinVar aggregate classification (germline): Pathogenic. Pathogenic (14). ClinVar aggregate classification (somatic clinical impact): Tier I - Strong. ClinVar aggregate classification (oncogenicity): Oncogenic.

Submissions 12 to 21 of 21:

Women's Health and Genetics/Laboratory Corporation of America, LabCorp
Classification: Pathogenic for Retinoblastoma. Last evaluated: 2021-12-03. Review status: criteria provided, single submitter. Criteria: LabCorp Variant Classification Summary - May 2015. Collection method: clinical testing. Allele origin: germline.
Comment: Variant summary: RB1 c.1215+1G>A is located in a canonical splice-site and is predicted to affect mRNA splicing resulting in a significantly altered protein due to either exon skipping, shortening, or inclusion of intronic material. Several computational tools predict a significant impact on normal splicing: Three predict the variant abolishes a 5` splicing donor site. At least one publication reports experimental evidence that this variant affects mRNA splicing and results in exon 12 deletion (Dunn_1989). The variant was absent in 249940 control chromosomes (gnomAD). c.1215+1G>A has been reported in the literature in multiple individuals affected with Retinoblastoma (Dunn_1989, Richter_2002, Chai_2021). These data indicate that the variant is very likely to be associated with disease. Six ClinVar submitters (evaluation after 2014) cite the variant as pathogenic. Based on the evidence outlined above, the variant was classified as pathogenic.

Department of Pediatrics, Memorial Sloan Kettering Cancer Center
Classification: Pathogenic for Retinoblastoma. Last evaluated: 2020-12-15. Review status: criteria provided, single submitter. Criteria: ACMG Guidelines, 2015. Collection method: research. Allele origin: germline. Affected: yes.

Genetics Program, Instituto Nacional de Cancer
Classification: Pathogenic for Retinoblastoma. Last evaluated: 2020-08-20. Review status: criteria provided, single submitter. Criteria: ACMG Guidelines, 2015. Collection method: research. Allele origin: somatic. Affected: yes. Observed: 1 variant allele.
Comment: Gene panel by NGS. Splice site variant. Found in four tumors, allele frequency=0.923;1;1;0.884.. Confirmed by Sanger sequencing.

Fulgent Genetics
Classification: Pathogenic for Malignant tumor of urinary bladder; Retinoblastoma; Small cell lung carcinoma; Bone osteosarcoma. Last evaluated: 2018-10-31. Review status: criteria provided, single submitter. Criteria: ACMG Guidelines, 2015. Collection method: clinical testing. Allele origin: unknown.

Juno Genomics, Hangzhou Juno Genomics, Inc
Classification: Pathogenic for Malignant tumor of urinary bladder; Bone osteosarcoma; Retinoblastoma; Small cell lung carcinoma. Review status: criteria provided, single submitter. Criteria: ACMG Guidelines, 2015. Collection method: clinical testing. Allele origin: germline.
Comment: Absent from controls (or at extremely low frequency if recessive) in Genome Aggregation Database.;Null variant in a gene where loss of function (LOF) is a known mechanism of disease.;The prevalence of the variant in affected individuals is significantly increased compared to the prevalence in controls.;Patient's phenotype or family history is highly specific for a disease with a single genetic etiology.

Unidad de Genómica Garrahan, Hospital de Pediatría Garrahan
Classification: Pathogenic for Retinoblastoma. Last evaluated: 2019-10-16. Review status: no assertion criteria provided. Collection method: clinical testing. Allele origin: de novo. Affected: yes. Not counted in ClinVar's aggregate classification.

OMIM
Classification: Pathogenic for RETINOBLASTOMA, SOMATIC. Last evaluated: 1989-11-01. Review status: no assertion criteria provided. Collection method: literature only. Allele origin: somatic. Not counted in ClinVar's aggregate classification.

Dr. Peter K. Rogan Lab, Western University
No classification provided (evidence only). Condition: Malignant tumor of urinary bladder. Review status: no classification provided. Collection method: in vitro. Allele origin: not applicable. Functional consequence: skipped exon, retained intron. Not counted in ClinVar's aggregate classification.

Dr. Peter K. Rogan Lab, Western University
No classification provided (evidence only). Condition: Sarcoma. Review status: no classification provided. Collection method: in vitro. Allele origin: not applicable. Functional consequence: retained intron. Not counted in ClinVar's aggregate classification.

Dr. Peter K. Rogan Lab, Western University
No classification provided (evidence only). Condition: Glioma susceptibility 1. Review status: no classification provided. Collection method: in vitro. Allele origin: not applicable. Functional consequence: skipped exon, retained intron. Not counted in ClinVar's aggregate classification.

Literature cited by the submitters: PubMed 2601691 (cited by 5 submitters); PubMed 16463005 (cited by Department of Pathology and Laboratory Medicine, Sinai Health System and Labcorp Genetics (formerly Invitae), Labcorp); PubMed 26396485 (cited by Department of Pathology and Laboratory Medicine, Sinai Health System and Labcorp Genetics (formerly Invitae), Labcorp); PubMed 12541220 (cited by 4 submitters); PubMed 27582626 (cited by Labcorp Genetics (formerly Invitae), Labcorp); PubMed 12955724 (cited by Ambry Genetics); PubMed 14722923 (cited by Ambry Genetics); PubMed 15605413 (cited by Ambry Genetics); PubMed 15776430 (cited by Ambry Genetics); PubMed 15884040 (cited by Ambry Genetics); PubMed 17096365 (cited by Ambry Genetics); PubMed 17960112 (cited by Ambry Genetics); PubMed 9311732 (cited by Ambry Genetics); PubMed 9973307 (cited by Ambry Genetics); PubMed 33493472 (cited by Women's Health and Genetics/Laboratory Corporation of America, LabCorp); PubMed 28873162 (cited by Department of Pediatrics, Memorial Sloan Kettering Cancer Center).